The following is an entry in ClinVar:

ClinVar aggregate classification (germline): Uncertain significance. Review status: criteria provided, multiple submitters, no conflicts (2 of 4 stars). 2 submissions from 2 submitters: Uncertain significance (2). Last evaluated 2025-10-02.

Conditions:
Inborn genetic diseases. Identifiers: MedGen C0950123, MeSH D030342.

Submissions (2):

Ambry Genetics
Classification: Uncertain significance for Inborn genetic diseases. Last evaluated: 2025-10-02. Review status: criteria provided, single submitter. Criteria: Ambry Variant Classification Scheme 2023. Collection method: clinical testing. Allele origin: germline.

GeneDx
Classification: Uncertain significance. Last evaluated: 2025-01-13. Review status: criteria provided, single submitter. Criteria: GeneDx Variant Classification Process June 2021. Collection method: clinical testing. Allele origin: germline.
Comment: Not observed at significant frequency in large population cohorts (gnomAD); In silico analysis indicates that this missense variant does not alter protein structure/function; Has not been previously published as pathogenic or benign to our knowledge; This substitution is predicted to be within the extracellular loop between the S5 and S6 transmembrane segments of the second homologous domain

NM_001040142.2(SCN2A):c.2881A>T (p.Thr961Ser)

Gene: SCN2A (sodium voltage-gated channel alpha subunit 2; plus strand). Cytogenetic location: 2q24.3.
Variant type: single nucleotide variant.
Coding change: c.2881A>T on transcript NM_001040142.2 (MANE Select); coding-DNA position 2881, A replaced by T.
Protein change: p.Thr961Ser; replaces threonine 961 with serine.
Molecular consequence: missense variant.
Genome position (GRCh38, 1-based): chr2:165,344,873, A>T. VCF-style: chr2-165344873-A-T. GRCh37 (hg19) VCF-style: chr2-166201383-A-T.
Other names: c.2881A>T, p.Thr961Ser (NM_001040143.2, NM_001371246.1, NM_001371247.1 and 1 more transcripts); short protein forms T961S.
Identifiers: ClinVar variation 3366127 (VCV003366127.3).